The following is an entry in ClinVar:

ClinVar aggregate classification (germline): Benign. Review status: reviewed by expert panel (3 of 4 stars). 36 submissions from 35 submitters: Benign (1). 35 of the submissions do not count toward it. Last evaluated 2019-06-18.

Conditions:
BRCA2-related cancer predisposition. Identifiers: MedGen CN377758, MONDO:0700269.
Breast and/or ovarian cancer. Identifiers: MedGen CN221562.
Hereditary cancer-predisposing syndrome. Also called: Neoplastic Syndromes, Hereditary; Hereditary neoplastic syndrome; Hereditary Cancer Syndrome; Tumor predisposition. Identifiers: Orphanet 140162, MedGen C0027672, MeSH D009386, MONDO:0015356.
Breast neoplasm. Also called: Breast Neoplasms; Neoplasm of breast; Breast tumor; Neoplasm of the breast. Identifiers: MedGen C1458155, MeSH D001943, MONDO:0021100, HP:0100013. Disease mechanism: gain of function.
Hereditary breast ovarian cancer syndrome. Also called: Hereditary breast and ovarian cancer syndrome (HBOC); Breast and ovarian cancer; BRCA1- and BRCA2-Associated Hereditary Breast and Ovarian Cancer; Hereditary breast and ovarian cancer syndrome; Hereditary breast and ovarian cancer; Hereditary breast and/or ovarian cancer syndrome. Identifiers: Orphanet 145, MedGen C0677776, MeSH D061325, MONDO:0003582. Disease mechanism: loss of function.
Fanconi anemia complementation group D1. Also called: BRCA2-Related Fanconi Anemia. Identifiers: Orphanet 319462, MedGen C1838457, MONDO:0011584, OMIM 605724.
Breast-ovarian cancer, familial, susceptibility to, 2 (BROVCA2). Also called: BRCA2 Hereditary Breast and Ovarian Cancer. Identifiers: Orphanet 145, MedGen C2675520, MONDO:0012933, OMIM 612555. Disease mechanism: loss of function.

Allele frequency attached by ClinVar (database versions not stated): 1000 Genomes Project 0.00040; ExAC 0.00072; gnomAD 0.00072 and 0.00074; 1000 Genomes Project 30x 0.00031; gnomAD exomes 0.00102 and 0.00080; ESP Exome Variant Server 0.00077; TOPMed 0.00063.
gnomAD v4.1: 1,575 of 1,593,866 alleles (0.099%); highest among the groups gnomAD compares: Non-Finnish European, 0.11%; 1 homozygote.

Submissions 1 to 19 of 36:

Evidence-based Network for the Interpretation of Germline Mutant Alleles (ENIGMA)
Classification: Benign for Breast-ovarian cancer, familial, susceptibility to, 2. Last evaluated: 2019-06-18. Review status: reviewed by expert panel. Criteria: ENIGMA BRCA1/2 Classification Criteria (2017-06-29). Collection method: curation. Allele origin: germline.
Comment: IARC class based on posterior probability from multifactorial likelihood analysis, thresholds for class as per Plon et al. 2008 (PMID: 18951446). Class 1 based on posterior probability = 2.83E-31

CeGaT Center for Human Genetics Tuebingen
Classification: Likely benign. Last evaluated: 2026-09-01. Review status: criteria provided, single submitter. Criteria: CeGaT Center For Human Genetics Tuebingen Variant Classification Criteria Version 2. Collection method: clinical testing. Allele origin: germline. Affected: yes. Observed: 19 variant alleles. Not counted in ClinVar's aggregate classification.
Comment: BRCA2: BP4, BS1:Supporting

Labcorp Genetics (formerly Invitae), Labcorp
Classification: Benign for Hereditary breast ovarian cancer syndrome. Last evaluated: 2026-02-03. Review status: criteria provided, single submitter. Criteria: Invitae Variant Classification Sherloc (09022015). Collection method: clinical testing. Allele origin: germline. Not counted in ClinVar's aggregate classification.

Dasa
Classification: Benign for Breast-ovarian cancer, familial, susceptibility to, 2. Last evaluated: 2026-01-05. Review status: criteria provided, single submitter. Criteria: DASA Assertion Criteria. Collection method: clinical testing. Allele origin: germline. Not counted in ClinVar's aggregate classification.
Comment: NM_000059.4(BRCA2):c.1514T>C (p.Ile505Thr) is a missense variant that results in the substitution of isoleucine with threonine. Population frequency is inconsistent with a disease-causing role for this variant, and observations in unaffected individuals support a benign interpretation. Therefore, based on the currently available evidence, this variant is classified as benign.

ARUP Laboratories, Molecular Genetics and Genomics, ARUP Laboratories
Classification: Benign. Last evaluated: 2025-06-16. Review status: criteria provided, single submitter. Criteria: ARUP Molecular Germline Variant Investigation Process 2024. Collection method: clinical testing. Allele origin: germline. Not counted in ClinVar's aggregate classification.

Center for Genomic Medicine, Rigshospitalet, Copenhagen University Hospital
Classification: Benign. Last evaluated: 2025-03-04. Review status: criteria provided, single submitter. Criteria: ACMG Guidelines, 2015. Collection method: clinical testing. Allele origin: germline. Not counted in ClinVar's aggregate classification.

Mayo Clinic Laboratories, Mayo Clinic
Classification: Benign. Last evaluated: 2024-12-13. Review status: criteria provided, single submitter. Criteria: ACMG Guidelines, 2015. Collection method: clinical testing. Allele origin: germline. Observed: 5 variant alleles. Not counted in ClinVar's aggregate classification.
Comment: BS1, BP1_strong, BP5_strong

Blueprint Genetics
Classification: Likely benign. Last evaluated: 2024-11-15. Review status: criteria provided, single submitter. Criteria: ACMG Guidelines, 2015. Collection method: clinical testing. Allele origin: germline. Not counted in ClinVar's aggregate classification.

All of Us Research Program, National Institutes of Health
Classification: Likely benign for BRCA2-related cancer predisposition. Last evaluated: 2024-09-27. Review status: criteria provided, single submitter. Criteria: ACMG Guidelines, 2015. Collection method: clinical testing. Allele origin: germline. Inheritance: Autosomal dominant inheritance. Observed: 313 variant alleles, 313 heterozygotes. Not counted in ClinVar's aggregate classification.
Comment: This study involves interpretation of variants in research participants for the purpose of population health screening. Participant phenotype was not available at the time of variant classification. Additional details can be found in publication PMID: 35346344, PMCID: PMC8962531

CHEO Genetics Diagnostic Laboratory, Children's Hospital of Eastern Ontario
Classification: Likely benign for Breast and/or ovarian cancer. Last evaluated: 2023-05-05. Review status: criteria provided, single submitter. Criteria: ACMG Guidelines, 2015. Collection method: clinical testing. Allele origin: germline. Not counted in ClinVar's aggregate classification.

GeneDx
Classification: Likely benign. Last evaluated: 2020-10-08. Review status: criteria provided, single submitter. Criteria: GeneDx Variant Classification Process June 2021. Collection method: clinical testing. Allele origin: germline. Affected: yes. Not counted in ClinVar's aggregate classification.
Comment: This variant is associated with the following publications: (PMID: 16847550, 20104584, 22505045, 11241844, 25569433, 23231788, 26625824, 24916970, 15955690, 16826315, 19471317, 20127978, 18724707, 22703879, 16760289, 20694749, 25637381, 26306726, 24489791, 18559594, 15983021, 24055113, 21952622, 21702907, 21520273, 24082139, 27153395, 26332594, 12474142, 27621404, 28283652, 30254663)

Sema4
Classification: Benign for Hereditary cancer-predisposing syndrome. Last evaluated: 2020-08-06. Review status: criteria provided, single submitter. Criteria: Sema4 Curation Guidelines. Collection method: curation. Allele origin: germline. Not counted in ClinVar's aggregate classification.

Mendelics
Classification: Likely benign for Breast-ovarian cancer, familial, susceptibility to, 2. Last evaluated: 2019-05-28. Review status: criteria provided, single submitter. Criteria: Mendelics Assertion Criteria 2017. Collection method: clinical testing. Allele origin: unknown. Not counted in ClinVar's aggregate classification.

Illumina Laboratory Services, Illumina
Classification: Likely benign for Breast-ovarian cancer, familial, susceptibility to, 2. Last evaluated: 2018-05-01. Review status: criteria provided, single submitter. Criteria: ICSL Variant Classification Criteria 13 December 2019. Collection method: clinical testing. Allele origin: germline. Not counted in ClinVar's aggregate classification.
Comment: This variant was observed as part of a predisposition screen in an ostensibly healthy population. A literature search was performed for the gene, cDNA change, and amino acid change (where applicable). No publications were found based on this search. Allele frequency data from public databases allowed determination this variant is unlikely to cause disease. Therefore, this variant is classified as likely benign.

Illumina Laboratory Services, Illumina
Classification: Likely benign for Fanconi anemia complementation group D1. Last evaluated: 2018-05-01. Review status: criteria provided, single submitter. Criteria: ICSL Variant Classification Criteria 13 December 2019. Collection method: clinical testing. Allele origin: germline. Not counted in ClinVar's aggregate classification.
Comment: the same text as in the submission from Illumina Laboratory Services, Illumina above.

Genetic Services Laboratory, University of Chicago
Classification: Likely benign. Last evaluated: 2017-02-22. Review status: criteria provided, single submitter. Criteria: ACMG Guidelines, 2015. Collection method: clinical testing. Allele origin: germline. Affected: no. Not counted in ClinVar's aggregate classification.

Laboratory for Molecular Medicine, Mass General Brigham Personalized Medicine
Classification: Uncertain significance. Last evaluated: 2016-06-16. Review status: criteria provided, single submitter. Criteria: LMM Criteria. Collection method: clinical testing. Allele origin: germline. Not counted in ClinVar's aggregate classification.
Comment: Variant identified in a genome or exome case(s) and assessed due to predicted null impact of the variant or pathogenic assertions in the literature or databases. Disclaimer: This variant has not undergone full assessment. The following are preliminary notes: ClinVar: 8 labs classify as B/LB

Institute for Biomarker Research, Medical Diagnostic Laboratories, L.L.C.
Classification: Likely benign for Hereditary breast ovarian cancer syndrome. Last evaluated: 2016-04-25. Review status: criteria provided, single submitter. Criteria: ACMG Guidelines, 2015. Collection method: clinical testing. Allele origin: germline. Not counted in ClinVar's aggregate classification.

Molecular Genetics Laboratory, University of Michigan
Classification: Likely benign for Breast-ovarian cancer, familial, susceptibility to, 2. Last evaluated: 2016-04-21. Review status: criteria provided, single submitter. Criteria: ACMG Guidelines, 2015. Collection method: clinical testing. Allele origin: germline. Affected: yes. Not counted in ClinVar's aggregate classification.

NM_000059.4(BRCA2):c.1514T>C (p.Ile505Thr)

Gene: BRCA2 (BRCA2 DNA repair associated; plus strand). Cytogenetic location: 13q13.1.
Variant type: single nucleotide variant.
Coding change: c.1514T>C on transcript NM_000059.4 (MANE Select); coding-DNA position 1514, T replaced by C.
Protein change: p.Ile505Thr; replaces isoleucine 505 with threonine.
Molecular consequence: missense variant.
Genome position (GRCh38, 1-based): chr13:32,332,992, T>C. VCF-style: chr13-32332992-T-C. GRCh37 (hg19) VCF-style: chr13-32907129-T-C.
Other names: p.I505T:ATA>ACA; short protein forms I505T.
Identifiers: ClinVar variation 41542 (VCV000041542.106), dbSNP rs28897708, ClinGen allele CA012289.